The following is an entry in ClinVar:

NM_002242.4(KCNJ13):c.473C>T (p.Ala158Val)

Genes: GIGYF2 (GRB10 interacting GYF protein 2; plus strand), KCNJ13 (potassium inwardly rectifying channel subfamily J member 13; minus strand). Cytogenetic location: 2q37.1.
Variant type: single nucleotide variant.
Coding change: c.473C>T on transcript NM_002242.4 (MANE Select); coding-DNA position 473, C replaced by T.
Protein change: p.Ala158Val; replaces alanine 158 with valine.
Molecular consequence: missense variant. On other transcripts: synonymous variant (1), intron variant (4).
Genome position (GRCh38, 1-based): chr2:232,768,801, G>A on the plus strand (C>T on the coding strand, the complement: KCNJ13 is on the minus strand). VCF-style: chr2-232768801-G-A. GRCh37 (hg19) VCF-style: chr2-233633511-G-A.
Other names: c.237C>T, p.Gly79= (NM_001172416.1); c.233C>T, p.Ala78Val (NM_001172417.1); c.532+7365G>A (NM_001103146.3, NM_015575.4, NM_001103147.2 and 1 more transcripts); short protein forms A158V, A78V.
Identifiers: ClinVar variation 167203 (VCV000167203.14), dbSNP rs727503972, ClinGen allele CA234141.
Genomic context (GRCh38, chr2:232,768,801, plus strand): 5'-ACTACTGCTGTGTCAGTAAAGCGAATTGAAAAAGCTCGATTTTTTGGCCGGGCAATCTTC[G>A]CCACAAAAGCACCTAAATAAGAAATTATTGATTTTTTTTTAGAATGAAGACTTTAAATAT-3'
Protein context (NP_002233.2, residues 148-168): LEAFITGAFV[Ala158Val]KIARPKNRAF

ClinVar aggregate classification (germline): Uncertain significance. Review status: criteria provided, multiple submitters, no conflicts (2 of 4 stars). 3 submissions from 3 submitters: Uncertain significance (3). Last evaluated 2022-11-22.

Allele frequency attached by ClinVar (database versions not stated): ExAC 0.00001.
gnomAD v4.1: 2 of 1,604,218 alleles (0.00012%); highest among the groups gnomAD compares: Non-Finnish European, 0.000085%; no homozygotes.

Submissions (3):

Labcorp Genetics (formerly Invitae), Labcorp
Classification: Uncertain significance. Last evaluated: 2022-11-22. Review status: criteria provided, single submitter. Criteria: Invitae Variant Classification Sherloc (09022015). Collection method: clinical testing. Allele origin: germline.
Comment: This sequence change replaces alanine, which is neutral and non-polar, with valine, which is neutral and non-polar, at codon 158 of the KCNJ13 protein (p.Ala158Val). The frequency data for this variant in the population databases is considered unreliable, as metrics indicate poor data quality at this position in the gnomAD database. This variant has not been reported in the literature in individuals affected with KCNJ13-related conditions. ClinVar contains an entry for this variant (Variation ID: 167203). Advanced modeling of protein sequence and biophysical properties (such as structural, functional, and spatial information, amino acid conservation, physicochemical variation, residue mobility, and thermodynamic stability) performed at Invitae indicates that this missense variant is not expected to disrupt KCNJ13 protein function. In summary, the available evidence is currently insufficient to determine the role of this variant in disease. Therefore, it has been classified as a Variant of Uncertain Significance.

Blueprint Genetics
Classification: Uncertain significance. Last evaluated: 2020-05-07. Review status: criteria provided, single submitter. Criteria: ACMG Guidelines, 2015. Collection method: clinical testing. Allele origin: germline.

Eurofins Ntd Llc (ga)
Classification: Uncertain significance. Last evaluated: 2014-05-06. Review status: criteria provided, single submitter. Criteria: EGL Classification Definitions 2015. Collection method: clinical testing. Allele origin: germline. Observed: 1 variant allele, 1 heterozygote.